The following is an entry in ClinVar:

NM_000064.4(C3):c.3306G>A (p.Gly1102=)

Gene: C3 (complement C3; minus strand). Cytogenetic location: 19p13.3.
Variant type: single nucleotide variant.
Coding change: c.3306G>A on transcript NM_000064.4 (MANE Select); coding-DNA position 3306, G replaced by A.
Protein change: p.Gly1102=; no amino-acid change (glycine 1102 retained).
Molecular consequence: synonymous variant.
Genome position (GRCh38, 1-based): chr19:6,693,008, C>T on the plus strand (G>A on the coding strand, the complement: C3 is on the minus strand). VCF-style: chr19-6693008-C-T. GRCh37 (hg19) VCF-style: chr19-6693019-C-T.
Other names: c.3306G>A (NM_000064.3).
Identifiers: ClinVar variation 1667446 (VCV001667446.11), dbSNP rs765511687, ClinGen allele CA9128778.

ClinVar aggregate classification (germline): Likely benign. Review status: criteria provided, multiple submitters, no conflicts (2 of 4 stars). 3 submissions from 3 submitters: Likely benign (2). 1 of the submissions does not count toward it. Last evaluated 2025-12-19.

Conditions:
C3-related disorder. Also called: C3-related condition.

Allele frequency attached by ClinVar (database versions not stated): gnomAD 0.00001; gnomAD exomes 0.00002 and 0.00004; ExAC 0.00003; TOPMed 0.00004.
gnomAD v4.1: 29 of 1,614,172 alleles (0.0018%); highest among the groups gnomAD compares: Middle Eastern, 0.099%; no homozygotes.

Submissions (3):

Labcorp Genetics (formerly Invitae), Labcorp
Classification: Likely benign. Last evaluated: 2025-12-19. Review status: criteria provided, single submitter. Criteria: Invitae Variant Classification Sherloc (09022015). Collection method: clinical testing. Allele origin: germline.

Blueprint Genetics
Classification: Likely benign. Last evaluated: 2022-10-07. Review status: criteria provided, single submitter. Criteria: ACMG Guidelines, 2015. Collection method: clinical testing. Allele origin: germline.

PreventionGenetics, part of Exact Sciences
Classification: Likely benign for C3-related condition. Last evaluated: 2023-10-12. Review status: no assertion criteria provided. Collection method: clinical testing. Allele origin: germline. Not counted in ClinVar's aggregate classification.
Comment: This variant is classified as likely benign based on ACMG/AMP sequence variant interpretation guidelines (Richards et al. 2015 PMID: 25741868, with internal and published modifications).